The following is an entry in ClinVar:

ClinVar aggregate classification (germline): Uncertain significance (1 of 4 stars; one submission).

Conditions:
ZSWIM6-related disorder. Also called: ZSWIM6-related condition.

Submission:

PreventionGenetics, part of Exact Sciences
Classification: Uncertain significance for ZSWIM6-related condition. Last evaluated: 2024-10-16. Review status: criteria provided, single submitter. Criteria: ACMG Guidelines, 2015. Collection method: clinical testing. Allele origin: germline.
Comment: The ZSWIM6 c.802delG variant is predicted to result in a frameshift and premature protein termination (p.Asp268Thrfs*35). To our knowledge, this variant has not been reported in the literature or in a large population database (gnomAD), indicating this variant is rare. Although we suspect that this variant may be pathogenic, at this time, the clinical significance of this variant is uncertain due to the absence of conclusive functional and genetic evidence.

NM_020928.2(ZSWIM6):c.802del (p.Asp268fs)

Gene: ZSWIM6 (zinc finger SWIM-type containing 6; plus strand). Cytogenetic location: 5q12.1.
Variant type: Deletion.
Coding change: c.802del on transcript NM_020928.2 (MANE Select); coding-DNA position 802, one base deleted (G; older notation c.802delG).
Protein change: p.Asp268fs; shifts the reading frame from aspartic acid 268.
Molecular consequence: frameshift variant.
Genome position (GRCh38, 1-based): chr5:61,472,806, G deleted; the last of 2 consecutive G bases (chr5:61,472,805-61,472,806); deleting either gives the same sequence. VCF-style (leftmost placement, unchanged base first): chr5-61472804-AG-A. GRCh37 (hg19) VCF-style: chr5-60768631-AG-A.
Other names: short protein forms D268fs.
Identifiers: ClinVar variation 4999967 (VCV004999967.1).